The following is an entry in ClinVar:

ClinVar aggregate classification (germline): Uncertain significance (1 of 4 stars; one submission).

Conditions:
Hypertrophic cardiomyopathy 6. Identifiers: MedGen C1833236, MONDO:0010946, OMIM 600858.

Submission:

3billion
Classification: Uncertain significance for Hypertrophic cardiomyopathy 6. Last evaluated: 2025-12-30. Review status: criteria provided, single submitter. Criteria: ACMG Guidelines, 2015. Collection method: clinical testing. Allele origin: germline. Affected: yes.
Comment: The variant is not observed in the gnomAD v4.1.0 dataset. Predicted Consequence/Location: Missense variant. Missense changes are a common disease-causing mechanism. In silico tool predictions suggest damaging effect of the variant on gene or gene product [REVEL: 0.89 (>=0.6, sensitivity 0.68 and specificity 0.92)]. Different missense changes at the same codon have been reported as of uncertain significance (ClinVar ID: VCV002732783). Therefore, this variant is classified as VUS according to the recommendation of ACMG/AMP guideline.

NM_016203.4(PRKAG2):c.788G>C (p.Arg263Pro)

Gene: PRKAG2 (protein kinase AMP-activated non-catalytic subunit gamma 2; minus strand). Cytogenetic location: 7q36.1.
Variant type: single nucleotide variant.
Coding change: c.788G>C on transcript NM_016203.4 (MANE Select); coding-DNA position 788, G replaced by C.
Protein change: p.Arg263Pro; replaces arginine 263 with proline.
Molecular consequence: missense variant.
Genome position (GRCh38, 1-based): chr7:151,595,421, C>G on the plus strand (G>C on the coding strand, the complement: PRKAG2 is on the minus strand). VCF-style: chr7-151595421-C-G. GRCh37 (hg19) VCF-style: chr7-151292507-C-G.
Other names: c.656G>C, p.Arg219Pro (NM_001040633.2, NM_001407024.1); c.413G>C, p.Arg138Pro (NM_001304527.2, NM_001407029.1); c.65G>C, p.Arg22Pro (NM_001304531.2, NM_024429.2, NM_001407034.1 and 1 more transcripts); c.416G>C, p.Arg139Pro (NM_001363698.2, NM_001407028.1); c.788G>C, p.Arg263Pro (NM_001407021.1); c.785G>C, p.Arg262Pro (NM_001407022.1, NM_001407023.1); c.653G>C, p.Arg218Pro (NM_001407026.1, NM_001407027.1); c.62G>C, p.Arg21Pro (NM_001407039.1, NM_001407040.1, NM_001407036.1); and 6 more; short protein forms R138P, R139P, R155P, R157P, R166P, R167P, R218P, R219P.
Identifiers: ClinVar variation 4854314 (VCV004854314.1).
Genomic context (GRCh38, chr7:151,595,421, plus strand): 5'-AAGACAACAAGCTTTGAACTGGTTGGAACGATGTCATAACACTTGTGTGACCTCATGAAT[C>G]GCATGTAAACACCACTTTCTGAGTCTTCTACTGCTAAAAGAAAAAAAGGCAAAACATCAG-3'
Protein context (NP_057287.2, residues 253-273): VEDSESGVYM[Arg263Pro]FMRSHKCYDI